The following is an entry in ClinVar:

ClinVar aggregate classification (germline): Conflicting classifications of pathogenicity. Review status: criteria provided, conflicting classifications (1 of 4 stars). 3 submissions from 3 submitters: Uncertain significance (2); Likely benign (1). Last evaluated 2026-01-18.

Conditions:
POLE-related disorder. Also called: POLE-related disorders; POLE-related condition.
Hereditary cancer-predisposing syndrome. Also called: Neoplastic Syndromes, Hereditary; Tumor predisposition; Hereditary Cancer Syndrome; Hereditary neoplastic syndrome. Identifiers: Orphanet 140162, MedGen C0027672, MeSH D009386, MONDO:0015356.

Allele frequency attached by ClinVar (database versions not stated): gnomAD exomes 0.00001 and 0.00003; ExAC 0.00002; gnomAD 0.00002; TOPMed 0.00002; ESP Exome Variant Server 0.00008.
gnomAD v4.1: 21 of 1,612,204 alleles (0.0013%); highest among the groups gnomAD compares: South Asian, 0.0055%; no homozygotes.

Submissions (3):

Labcorp Genetics (formerly Invitae), Labcorp
Classification: Uncertain significance. Last evaluated: 2026-01-18. Review status: criteria provided, single submitter. Criteria: Invitae Variant Classification Sherloc (09022015). Collection method: clinical testing. Allele origin: germline.
Comment: This sequence change replaces valine, which is neutral and non-polar, with methionine, which is neutral and non-polar, at codon 783 of the POLE protein (p.Val783Met). This variant is present in population databases (rs371085002, gnomAD 0.006%). This variant has not been reported in the literature in individuals affected with POLE-related conditions. ClinVar contains an entry for this variant (Variation ID: 405888). Invitae Evidence Modeling of protein sequence and biophysical properties (such as structural, functional, and spatial information, amino acid conservation, physicochemical variation, residue mobility, and thermodynamic stability) indicates that this missense variant is not expected to disrupt POLE protein function with a negative predictive value of 80%. In summary, the available evidence is currently insufficient to determine the role of this variant in disease. Therefore, it has been classified as a Variant of Uncertain Significance.

PreventionGenetics, part of Exact Sciences
Classification: Uncertain significance for POLE-related condition. Last evaluated: 2024-12-26. Review status: criteria provided, single submitter. Criteria: ACMG Guidelines, 2015. Collection method: clinical testing. Allele origin: germline.
Comment: The POLE c.2347G>A variant is predicted to result in the amino acid substitution p.Val783Met. To our knowledge, this variant has not been reported in the literature. This variant is reported in 0.0065% of alleles in individuals of South Asian descent in gnomAD. At this time, the clinical significance of this variant is uncertain due to the absence of conclusive functional and genetic evidence.

Ambry Genetics
Classification: Likely benign for Hereditary cancer-predisposing syndrome. Last evaluated: 2024-12-20. Review status: criteria provided, single submitter. Criteria: Ambry Variant Classification Scheme 2023. Collection method: clinical testing. Allele origin: germline.

NM_006231.4(POLE):c.2347G>A (p.Val783Met)

Gene: POLE (DNA polymerase epsilon, catalytic subunit; minus strand). Cytogenetic location: 12q24.33.
Variant type: single nucleotide variant.
Coding change: c.2347G>A on transcript NM_006231.4 (MANE Select); coding-DNA position 2347, G replaced by A.
Protein change: p.Val783Met; replaces valine 783 with methionine.
Molecular consequence: missense variant.
Genome position (GRCh38, 1-based): chr12:132,665,423, C>T on the plus strand (G>A on the coding strand, the complement: POLE is on the minus strand). VCF-style: chr12-132665423-C-T. GRCh37 (hg19) VCF-style: chr12-133242009-C-T.
Other names: short protein forms V783M.
Identifiers: ClinVar variation 405888 (VCV000405888.14), dbSNP rs371085002, ClinGen allele CA6893580.